The following is an entry in ClinVar:

NM_000937.5(POLR2A):c.2207C>A (p.Thr736Lys)

Gene: POLR2A (RNA polymerase II subunit A; plus strand). Cytogenetic location: 17p13.1.
Variant type: single nucleotide variant.
Coding change: c.2207C>A on transcript NM_000937.5 (MANE Select); coding-DNA position 2207, C replaced by A.
Protein change: p.Thr736Lys; replaces threonine 736 with lysine.
Molecular consequence: missense variant.
Genome position (GRCh38, 1-based): chr17:7,501,587, C>A. VCF-style: chr17-7501587-C-A. GRCh37 (hg19) VCF-style: chr17-7404906-C-A.
Other names: short protein forms T736K.
Identifiers: ClinVar variation 5019965 (VCV005019965.1).

ClinVar aggregate classification (germline): Uncertain significance (1 of 4 stars; one submission).

Conditions:
Neurodevelopmental disorder with hypotonia and variable intellectual and behavioral abnormalities. Identifiers: MedGen C5231423, MONDO:0032829, OMIM 618603.

Submission:

Juno Genomics, Hangzhou Juno Genomics, Inc
Classification: Uncertain significance for Neurodevelopmental disorder with hypotonia and variable intellectual and behavioral abnormalities. Review status: criteria provided, single submitter. Criteria: ACMG Guidelines, 2015. Collection method: clinical testing. Allele origin: germline. Affected: yes.
Comment: Absent from controls (or at extremely low frequency if recessive) in Genome Aggregation Database.;Multiple lines of computational evidence support a deleterious effect on the gene or gene product.;Missense variant in a gene that has a low rate of benign missense variation.;Novel missense change at an amino acid residue where a different missense change determined to be pathogenic has been seen before.